The following is an entry in ClinVar:

NM_002234.4(KCNA5):c.459_460delinsAA (p.Arg154Ser)

Gene: KCNA5 (potassium voltage-gated channel subfamily A member 5; plus strand). Cytogenetic location: 12p13.32.
Variant type: Indel.
Coding change: c.459_460delinsAA on transcript NM_002234.4 (MANE Select); coding-DNA positions 459 to 460, GC replaced by AA.
Protein change: p.Arg154Ser; replaces arginine 154 with serine.
Molecular consequence: missense variant.
Genome position (GRCh38, 1-based): chr12:5,044,606-5,044,607, GC replaced by AA. VCF-style: chr12-5044606-GC-AA. GRCh37 (hg19) VCF-style: chr12-5153772-GC-AA.
Other names: short protein forms R154S.
Identifiers: ClinVar variation 849518 (VCV000849518.9), dbSNP rs1862749418, ClinGen allele CA916083286.

ClinVar aggregate classification (germline): Uncertain significance. Review status: criteria provided, multiple submitters, no conflicts (2 of 4 stars). 2 submissions from 2 submitters: Uncertain significance (2). Last evaluated 2026-01-07.

Conditions:
Atrial fibrillation, familial, 7 (ATFB7). Identifiers: MedGen C2677106, MONDO:0012828, OMIM 612240.

Submissions (2):

Labcorp Genetics (formerly Invitae), Labcorp
Classification: Uncertain significance for Atrial fibrillation, familial, 7. Last evaluated: 2026-01-07. Review status: criteria provided, single submitter. Criteria: Invitae Variant Classification Sherloc (09022015). Collection method: clinical testing. Allele origin: germline.
Comment: This sequence change replaces arginine, which is basic and polar, with serine, which is neutral and polar, at codon 154 of the KCNA5 protein (p.Arg154Ser). Information on the frequency of this variant in the gnomAD database is not available, as this variant may be reported differently in the database. This variant has not been reported in the literature in individuals affected with KCNA5-related conditions. ClinVar contains an entry for this variant (Variation ID: 849518). Experimental studies and prediction algorithms are not available or were not evaluated, and the functional significance of this variant is currently unknown. In summary, the available evidence is currently insufficient to determine the role of this variant in disease. Therefore, it has been classified as a Variant of Uncertain Significance.

Fulgent Genetics
Classification: Uncertain significance for Atrial fibrillation, familial, 7. Last evaluated: 2021-07-23. Review status: criteria provided, single submitter. Criteria: ACMG Guidelines, 2015. Collection method: clinical testing. Allele origin: unknown.